The following is an entry in ClinVar:

NM_001083116.3(PRF1):c.98G>A (p.Arg33His)

Gene: PRF1 (perforin 1; minus strand). Cytogenetic location: 10q22.1.
Variant type: single nucleotide variant.
Coding change: c.98G>A on transcript NM_001083116.3 (MANE Select); coding-DNA position 98, G replaced by A.
Protein change: p.Arg33His; replaces arginine 33 with histidine.
Molecular consequence: missense variant.
Genome position (GRCh38, 1-based): chr10:70,600,805, C>T on the plus strand (G>A on the coding strand, the complement: PRF1 is on the minus strand). VCF-style: chr10-70600805-C-T. GRCh37 (hg19) VCF-style: chr10-72360561-C-T.
Other names: c.98G>A, p.Arg33His (NM_005041.6); short protein forms R33H.
Identifiers: ClinVar variation 644600 (VCV000644600.5), dbSNP rs531407289, ClinGen allele CA5539125.

ClinVar aggregate classification (germline): Uncertain significance. Review status: criteria provided, multiple submitters, no conflicts (2 of 4 stars). 2 submissions from 2 submitters: Uncertain significance (2). Last evaluated 2022-10-17.

Conditions:
Aplastic anemia. Identifiers: Orphanet 182040, Orphanet 88, MedGen C0002874, MONDO:0015909, OMIM 609135, HP:0001915.
Familial hemophagocytic lymphohistiocytosis 2 (FHL2). Also called: PRF1-Related Familial Hemophagocytic Lymphohistiocytosis (PRF1-fHLH). Identifiers: Orphanet 540, MedGen C1863727, MONDO:0011337, OMIM 603553.
Lymphoma, non-Hodgkin, familial. Identifiers: MedGen C4721532, MONDO:0011508, OMIM 605027.

Allele frequency attached by ClinVar (database versions not stated): gnomAD 0.00003; TOPMed 0.00003; gnomAD exomes 0.00004 and 0.00010; ExAC 0.00011; 1000 Genomes Project 30x 0.00016; 1000 Genomes Project 0.00020.

Submissions (2):

Labcorp Genetics (formerly Invitae), Labcorp
Classification: Uncertain significance for Familial hemophagocytic lymphohistiocytosis 2. Last evaluated: 2022-10-17. Review status: criteria provided, single submitter. Criteria: Invitae Variant Classification Sherloc (09022015). Collection method: clinical testing. Allele origin: germline.
Comment: This sequence change replaces arginine, which is basic and polar, with histidine, which is basic and polar, at codon 33 of the PRF1 protein (p.Arg33His). This variant is present in population databases (rs531407289, gnomAD 0.05%). This missense change has been observed in individual(s) with hemophagocytic lymphohistiocytosis (PMID: 21881043, 25233452, 27033761, 29113160, 29665027, 30899265). ClinVar contains an entry for this variant (Variation ID: 644600). Algorithms developed to predict the effect of missense changes on protein structure and function output the following: SIFT: "Tolerated"; PolyPhen-2: "Benign"; Align-GVGD: "Class C0". The histidine amino acid residue is found in multiple mammalian species, which suggests that this missense change does not adversely affect protein function. In summary, the available evidence is currently insufficient to determine the role of this variant in disease. Therefore, it has been classified as a Variant of Uncertain Significance.

Fulgent Genetics
Classification: Uncertain significance for Familial hemophagocytic lymphohistiocytosis 2; Lymphoma, non-Hodgkin, familial; Aplastic anemia. Last evaluated: 2022-03-10. Review status: criteria provided, single submitter. Criteria: ACMG Guidelines, 2015. Collection method: clinical testing. Allele origin: unknown.

Literature cited by the submitters: PubMed 21881043 (cited by Labcorp Genetics (formerly Invitae), Labcorp); PubMed 25233452 (cited by Labcorp Genetics (formerly Invitae), Labcorp); PubMed 27033761 (cited by Labcorp Genetics (formerly Invitae), Labcorp); PubMed 29113160 (cited by Labcorp Genetics (formerly Invitae), Labcorp); PubMed 29665027 (cited by Labcorp Genetics (formerly Invitae), Labcorp); PubMed 30899265 (cited by Labcorp Genetics (formerly Invitae), Labcorp).